The following is an entry in ClinVar:

ClinVar aggregate classification (germline): Uncertain significance. Review status: criteria provided, multiple submitters, no conflicts (2 of 4 stars). 2 submissions from 2 submitters: Uncertain significance (2). Last evaluated 2026-04-11.

Conditions:
Baller-Gerold syndrome (BGS). Also called: CRANIOSYNOSTOSIS WITH RADIAL DEFECTS. Identifiers: Orphanet 1225, MedGen C0265308, MONDO:0009039, OMIM 218600.
Inborn genetic diseases. Identifiers: MedGen C0950123, MeSH D030342.

Allele frequency attached by ClinVar (database versions not stated): gnomAD exomes 0.00001.

Submissions (2):

Ambry Genetics
Classification: Uncertain significance for Inborn genetic diseases. Last evaluated: 2026-04-11. Review status: criteria provided, single submitter. Criteria: Ambry Variant Classification Scheme 2023. Collection method: clinical testing. Allele origin: germline.
Comment: The p.R24W variant (also known as c.70C>T), located in coding exon 1 of the RECQL4 gene, results from a C to T substitution at nucleotide position 70. The arginine at codon 24 is replaced by tryptophan, an amino acid with dissimilar properties. This amino acid position is conserved. In addition, the in silico prediction for this alteration is inconclusive. Based on the available evidence, the clinical significance of this variant remains unclear.

Labcorp Genetics (formerly Invitae), Labcorp
Classification: Uncertain significance for Baller-Gerold syndrome. Last evaluated: 2021-03-07. Review status: criteria provided, single submitter. Criteria: Invitae Variant Classification Sherloc (09022015). Collection method: clinical testing. Allele origin: germline.
Comment: This sequence change replaces arginine with tryptophan at codon 24 of the RECQL4 protein (p.Arg24Trp). The arginine residue is highly conserved and there is a moderate physicochemical difference between arginine and tryptophan. The frequency data for this variant in the population databases is considered unreliable, as metrics indicate insufficient coverage at this position in the ExAC database. In summary, the available evidence is currently insufficient to determine the role of this variant in disease. Therefore, it has been classified as a Variant of Uncertain Significance. Experimental studies and prediction algorithms are not available or were not evaluated, and the functional significance of this variant is currently unknown. This variant has not been reported in the literature in individuals with RECQL4-related conditions.

NM_004260.4(RECQL4):c.70C>T (p.Arg24Trp)

Genes: RECQL4 (RecQ like helicase 4; minus strand), LOC130001411 (ATAC-STARR-seq lymphoblastoid silent region 19699; plus strand). Cytogenetic location: 8q24.3.
Variant type: single nucleotide variant.
Coding change: c.70C>T on transcript NM_004260.4 (MANE Select); coding-DNA position 70, C replaced by T.
Protein change: p.Arg24Trp; replaces arginine 24 with tryptophan.
Molecular consequence: missense variant.
Genome position (GRCh38, 1-based): chr8:144,517,715, G>A on the plus strand (C>T on the coding strand, the complement: RECQL4 is on the minus strand). VCF-style: chr8-144517715-G-A. GRCh37 (hg19) VCF-style: chr8-145743099-G-A.
Other names: c.70C>T (NM_004260.3); short protein forms R24W.
Identifiers: ClinVar variation 1497179 (VCV001497179.8), dbSNP rs1586835635, ClinGen allele CA372693676.